The following is an entry in ClinVar:

ClinVar aggregate classification (germline): Uncertain significance (1 of 4 stars; one submission).

Allele frequency attached by ClinVar (database versions not stated): gnomAD exomes below 0.00001.

Submission:

Labcorp Genetics (formerly Invitae), Labcorp
Classification: Uncertain significance. Last evaluated: 2021-04-14. Review status: criteria provided, single submitter. Criteria: Invitae Variant Classification Sherloc (09022015). Collection method: clinical testing. Allele origin: germline.
Comment: In summary, the available evidence is currently insufficient to determine the role of this variant in disease. Therefore, it has been classified as a Variant of Uncertain Significance. Algorithms developed to predict the effect of missense changes on protein structure and function are either unavailable or do not agree on the potential impact of this missense change (SIFT: "Deleterious"; PolyPhen-2: "Possibly Damaging"; Align-GVGD: "Class C0"). This variant has not been reported in the literature in individuals with POLE-related conditions. This variant is not present in population databases (ExAC no frequency). This sequence change replaces methionine with isoleucine at codon 1798 of the POLE protein (p.Met1798Ile). The methionine residue is highly conserved and there is a small physicochemical difference between methionine and isoleucine.

NM_006231.4(POLE):c.5394G>C (p.Met1798Ile)

Gene: POLE (DNA polymerase epsilon, catalytic subunit; minus strand). Cytogenetic location: 12q24.33.
Variant type: single nucleotide variant.
Coding change: c.5394G>C on transcript NM_006231.4 (MANE Select); coding-DNA position 5394, G replaced by C.
Protein change: p.Met1798Ile; replaces methionine 1798 with isoleucine.
Molecular consequence: missense variant.
Genome position (GRCh38, 1-based): chr12:132,639,283, C>G on the plus strand (G>C on the coding strand, the complement: POLE is on the minus strand). VCF-style: chr12-132639283-C-G. GRCh37 (hg19) VCF-style: chr12-133215869-C-G.
Other names: short protein forms M1798I.
Identifiers: ClinVar variation 1450555 (VCV001450555.8), dbSNP rs1593722192, ClinGen allele CA387375095.
Genomic context (GRCh38, chr12:132,639,283, plus strand): 5'-CACCTGGTTGTCTGCATAGATGTTGTGGTACTGGGTGATCTCCTTCACCCAGCCCACGAC[C>G]ATGCTCTTCAGGATCCTGAAAGAGAAGGTGCACGACACCCTCGTACCCTCAGCCTCCCAC-3'
Protein context (NP_006222.2, residues 1788-1808): CSNTFRILKS[Met1798Ile]VVGWVKEITQ